The following is an entry in ClinVar:

ClinVar aggregate classification (germline): Uncertain significance. Review status: criteria provided, multiple submitters, no conflicts (2 of 4 stars). 4 submissions from 4 submitters: Uncertain significance (3). 1 of the submissions does not count toward it. Last evaluated 2019-06-27.

Conditions:
TTN-related disorder. Also called: TTN-related disorders; TTN-related condition; TTN-related disease.
Dilated cardiomyopathy 1G (CMD1G). Identifiers: Orphanet 154, MedGen C1858763, MONDO:0011400, OMIM 604145.
Autosomal recessive limb-girdle muscular dystrophy type 2J (LGMDR10). Also called: Limb-girdle muscular dystrophy, type 2J; MUSCULAR DYSTROPHY, LIMB-GIRDLE, AUTOSOMAL RECESSIVE 10. Identifiers: Orphanet 140922, MedGen C1837342, MONDO:0012127, OMIM 608807.

Allele frequency attached by ClinVar (database versions not stated): TOPMed 0.00002; ExAC 0.00003; gnomAD exomes 0.00003.
gnomAD v4.1: 28 of 1,606,078 alleles (0.0017%); highest among the groups gnomAD compares: Non-Finnish European, 0.0012%; no homozygotes.

Submissions (4):

Revvity Omics, Revvity
Classification: Uncertain significance. Last evaluated: 2019-06-27. Review status: criteria provided, single submitter. Criteria: ACMG Guidelines, 2015. Collection method: clinical testing. Allele origin: germline.

Labcorp Genetics (formerly Invitae), Labcorp
Classification: Uncertain significance for Dilated cardiomyopathy 1G; Autosomal recessive limb-girdle muscular dystrophy type 2J. Last evaluated: 2017-10-30. Review status: criteria provided, single submitter. Criteria: Invitae Variant Classification Sherloc (09022015). Collection method: clinical testing. Allele origin: germline.

Laboratory for Molecular Medicine, Mass General Brigham Personalized Medicine
Classification: Uncertain significance. Last evaluated: 2014-10-08. Review status: criteria provided, single submitter. Criteria: LMM Criteria. Collection method: clinical testing. Allele origin: germline. Observed: 1 variant allele.
Comment: The p.Thr30124Arg variant in TTN has not been previously reported in individuals with cardiomyopathy or in large population studies. Computational prediction to ols and conservation analysis do not provide strong support for or against an im pact to the protein. In summary, the clinical significance of the p.Thr30124Arg variant is uncertain.

PreventionGenetics, part of Exact Sciences
Classification: Uncertain significance for TTN-related condition. Last evaluated: 2024-07-11. Review status: no assertion criteria provided. Collection method: clinical testing. Allele origin: germline. Not counted in ClinVar's aggregate classification.
Comment: The TTN c.98075C>G variant is predicted to result in the amino acid substitution p.Thr32692Arg. To our knowledge, this variant has not been reported in the literature. This variant is reported in 0.053% of alleles in individuals of Ashkenazi Jewish descent in gnomAD. Although we suspect that this variant may be benign, at this time, the clinical significance of this variant is uncertain due to the absence of conclusive functional and genetic evidence.

NM_001267550.2(TTN):c.98075C>G (p.Thr32692Arg)

Genes: TTN (titin; minus strand), TTN-AS1 (TTN antisense RNA 1; plus strand). Cytogenetic location: 2q31.2.
Variant type: single nucleotide variant.
Coding change: c.98075C>G on transcript NM_001267550.2 (MANE Select); coding-DNA position 98075, C replaced by G.
Protein change: p.Thr32692Arg; replaces threonine 32692 with arginine.
Molecular consequence: missense variant.
Genome position (GRCh38, 1-based): chr2:178,540,091, G>C on the plus strand (C>G on the coding strand, the complement: TTN is on the minus strand). VCF-style: chr2-178540091-G-C. GRCh37 (hg19) VCF-style: chr2-179404818-G-C.
Other names: c.93152C>G, p.Thr31051Arg (NM_001256850.1); c.70880C>G, p.Thr23627Arg (NM_003319.4); c.71255C>G, p.Thr23752Arg (NM_133432.3); c.71456C>G, p.Thr23819Arg (NM_133437.4); c.90371C>G, p.Thr30124Arg (NM_133378.4); short protein forms T30124R, T32692R, T23819R, T23627R, T23752R, T31051R.
Identifiers: ClinVar variation 180047 (VCV000180047.11), dbSNP rs727505311, ClinGen allele CA185706.